The following is an entry in ClinVar:

ClinVar aggregate classification (germline): Uncertain significance (1 of 4 stars; one submission).

Allele frequency attached by ClinVar (database versions not stated): gnomAD exomes below 0.00001; TOPMed 0.00001.
gnomAD v4.1: 4 of 1,609,684 alleles (0.00025%); highest among the groups gnomAD compares: Non-Finnish European, 0.00034%; no homozygotes.

Submission:

Labcorp Genetics (formerly Invitae), Labcorp
Classification: Uncertain significance. Last evaluated: 2024-10-16. Review status: criteria provided, single submitter. Criteria: Invitae Variant Classification Sherloc (09022015). Collection method: clinical testing. Allele origin: germline.
Comment: This sequence change replaces arginine, which is basic and polar, with lysine, which is basic and polar, at codon 742 of the AP3D1 protein (p.Arg742Lys). This variant is not present in population databases (gnomAD no frequency). This variant has not been reported in the literature in individuals affected with AP3D1-related conditions. An algorithm developed to predict the effect of missense changes on protein structure and function outputs the following: PolyPhen-2: "Benign". The lysine amino acid residue is found in multiple mammalian species, which suggests that this missense change does not adversely affect protein function. In summary, the available evidence is currently insufficient to determine the role of this variant in disease. Therefore, it has been classified as a Variant of Uncertain Significance.

NM_001261826.3(AP3D1):c.2225G>A (p.Arg742Lys)

Gene: AP3D1 (adaptor related protein complex 3 subunit delta 1; minus strand). Cytogenetic location: 19p13.3.
Variant type: single nucleotide variant.
Coding change: c.2225G>A on transcript NM_001261826.3 (MANE Select); coding-DNA position 2225, G replaced by A.
Protein change: p.Arg742Lys; replaces arginine 742 with lysine.
Molecular consequence: missense variant.
Genome position (GRCh38, 1-based): chr19:2,115,343, C>T on the plus strand (G>A on the coding strand, the complement: AP3D1 is on the minus strand). VCF-style: chr19-2115343-C-T. GRCh37 (hg19) VCF-style: chr19-2115342-C-T.
Other names: c.2225G>A, p.Arg742Lys (NM_001374799.1, NM_003938.8); short protein forms R742K.
Identifiers: ClinVar variation 2698514 (VCV002698514.3), dbSNP rs1361138253, ClinGen allele CA403213305.